The following is an entry in ClinVar:

ClinVar aggregate classification (germline): Likely benign. Review status: criteria provided, multiple submitters, no conflicts (2 of 4 stars). 2 submissions from 2 submitters: Likely benign (2). Last evaluated 2026-05-01.

Conditions:
Vici syndrome (VICIS). Identifiers: Orphanet 1493, MedGen C1855772, MONDO:0009452, OMIM 242840.

Allele frequency attached by ClinVar (database versions not stated): ExAC 0.00001; gnomAD 0.00001; gnomAD exomes 0.00001; TOPMed 0.00001; ESP Exome Variant Server 0.00008.
gnomAD v4.1: 20 of 1,613,828 alleles (0.0012%); highest among the groups gnomAD compares: Non-Finnish European, 0.0015%; no homozygotes.

Submissions (2):

CeGaT Center for Human Genetics Tuebingen
Classification: Likely benign. Last evaluated: 2026-05-01. Review status: criteria provided, single submitter. Criteria: CeGaT Center For Human Genetics Tuebingen Variant Classification Criteria Version 2. Collection method: clinical testing. Allele origin: germline. Affected: yes. Observed: 1 variant allele.
Comment: EPG5: BP4, BP7

Labcorp Genetics (formerly Invitae), Labcorp
Classification: Likely benign for Vici syndrome. Last evaluated: 2023-11-24. Review status: criteria provided, single submitter. Criteria: Invitae Variant Classification Sherloc (09022015). Collection method: clinical testing. Allele origin: germline.

NM_020964.3(EPG5):c.1989C>T (p.Ser663=)

Gene: EPG5 (ectopic P-granules 5 autophagy tethering factor; minus strand). Cytogenetic location: 18q21.1.
Variant type: single nucleotide variant.
Coding change: c.1989C>T on transcript NM_020964.3 (MANE Select); coding-DNA position 1989, C replaced by T.
Protein change: p.Ser663=; no amino-acid change (serine 663 retained).
Molecular consequence: synonymous variant.
Genome position (GRCh38, 1-based): chr18:45,939,710, G>A on the plus strand (C>T on the coding strand, the complement: EPG5 is on the minus strand). VCF-style: chr18-45939710-G-A. GRCh37 (hg19) VCF-style: chr18-43519676-G-A.
Identifiers: ClinVar variation 760139 (VCV000760139.11), dbSNP rs368887661, ClinGen allele CA8949543.
Genomic context (GRCh38, chr18:45,939,710, plus strand): 5'-TTCAACCTGTAGTTTCTCCATAGAGTAGGGCTGTTGGGCCAATCCTGAGCCTTGGTTATG[G>A]CTCACATACTGTGCCCAATGGTCACTTACATAACCAAGAGTCATCCTGAGCATGAGGAAA-3'
Protein context (NP_066015.2, residues 653-673): YVSDHWAQYV[Ser663=]HNQGSGLAQQ